The following is an entry in ClinVar:

NM_001039591.3(USP9X):c.2308G>T (p.Gly770Ter)

Gene: USP9X (ubiquitin specific peptidase 9 X-linked; plus strand). Cytogenetic location: Xp11.4.
Variant type: single nucleotide variant.
Coding change: c.2308G>T on transcript NM_001039591.3 (MANE Select); coding-DNA position 2308, G replaced by T.
Protein change: p.Gly770Ter; replaces glycine 770 with a stop codon.
Molecular consequence: nonsense.
Genome position (GRCh38, 1-based): chrX:41,166,194, G>T. VCF-style: chrX-41166194-G-T. GRCh37 (hg19) VCF-style: chrX-41025447-G-T.
Other names: c.2308G>T, p.Gly770Ter (NM_001039590.3); c.2323G>T, p.Gly775Ter (NM_001410748.1, NM_001410749.1); short protein forms G770*, G775*.
Identifiers: ClinVar variation 3251106 (VCV003251106.18), dbSNP rs2519213488.

ClinVar aggregate classification (germline): Pathogenic (1 of 4 stars; one submission).

Submission:

CeGaT Center for Human Genetics Tuebingen
Classification: Pathogenic. Last evaluated: 2024-06-01. Review status: criteria provided, single submitter. Criteria: CeGaT Center For Human Genetics Tuebingen Variant Classification Criteria Version 2. Collection method: clinical testing. Allele origin: germline. Affected: yes. Observed: 1 variant allele.
Comment: USP9X: PVS1, PM2